The following is an entry in ClinVar:

NM_033109.5(PNPT1):c.298-11T>A

Gene: PNPT1 (polyribonucleotide nucleotidyltransferase 1; minus strand). Cytogenetic location: 2p16.1.
Variant type: single nucleotide variant.
Coding change: c.298-11T>A on transcript NM_033109.5 (MANE Select); 11 bases into the intron before coding-DNA position 298, T replaced by A.
Molecular consequence: intron variant.
Genome position (GRCh38, 1-based): chr2:55,685,059, A>T on the plus strand (T>A on the coding strand, the complement: PNPT1 is on the minus strand). VCF-style: chr2-55685059-A-T. GRCh37 (hg19) VCF-style: chr2-55912194-A-T.
Identifiers: ClinVar variation 2096533 (VCV002096533.4), dbSNP rs2529618798, ClinGen allele CA2580067460.

ClinVar aggregate classification (germline): Uncertain significance (1 of 4 stars; one submission).

Submission:

Labcorp Genetics (formerly Invitae), Labcorp
Classification: Uncertain significance. Last evaluated: 2022-07-26. Review status: criteria provided, single submitter. Criteria: Invitae Variant Classification Sherloc (09022015). Collection method: clinical testing. Allele origin: germline.
Comment: In summary, the available evidence is currently insufficient to determine the role of this variant in disease. Therefore, it has been classified as a Variant of Uncertain Significance. Algorithms developed to predict the effect of sequence changes on RNA splicing suggest that this variant may disrupt the consensus splice site. This variant has not been reported in the literature in individuals affected with PNPT1-related conditions. This variant is not present in population databases (gnomAD no frequency). This sequence change falls in intron 3 of the PNPT1 gene. It does not directly change the encoded amino acid sequence of the PNPT1 protein.